The following is an entry in ClinVar:

ClinVar aggregate classification (germline): Uncertain significance (1 of 4 stars; one submission).

gnomAD v4.1: 2 of 1,612,536 alleles (0.00012%); highest among the groups gnomAD compares: Non-Finnish European, 0.00017%; no homozygotes.

Submission:

Labcorp Genetics (formerly Invitae), Labcorp
Classification: Uncertain significance. Last evaluated: 2026-02-02. Review status: criteria provided, single submitter. Criteria: Invitae Variant Classification Sherloc (09022015). Collection method: clinical testing. Allele origin: germline.
Comment: This sequence change replaces proline, which is neutral and non-polar, with threonine, which is neutral and polar, at codon 1217 of the FLNB protein (p.Pro1217Thr). This variant is not present in population databases (gnomAD no frequency). This variant has not been reported in the literature in individuals affected with FLNB-related conditions. ClinVar contains an entry for this variant (Variation ID: 3695472). Invitae Evidence Modeling of protein sequence and biophysical properties (such as structural, functional, and spatial information, amino acid conservation, physicochemical variation, residue mobility, and thermodynamic stability) has been performed for this missense variant. However, the output from this modeling did not meet the statistical confidence thresholds required to predict the impact of this variant on FLNB protein function. In summary, the available evidence is currently insufficient to determine the role of this variant in disease. Therefore, it has been classified as a Variant of Uncertain Significance.

NM_001457.4(FLNB):c.3649C>A (p.Pro1217Thr)

Gene: FLNB (filamin B; plus strand). Cytogenetic location: 3p14.3.
Variant type: single nucleotide variant.
Coding change: c.3649C>A on transcript NM_001457.4 (MANE Select); coding-DNA position 3649, C replaced by A.
Protein change: p.Pro1217Thr; replaces proline 1217 with threonine.
Molecular consequence: missense variant.
Genome position (GRCh38, 1-based): chr3:58,123,615, C>A. VCF-style: chr3-58123615-C-A. GRCh37 (hg19) VCF-style: chr3-58109342-C-A.
Other names: c.3649C>A, p.Pro1217Thr (NM_001164317.2, NM_001164318.2, NM_001164319.2); short protein forms P1217T.
Identifiers: ClinVar variation 3695472 (VCV003695472.2).